The following is an entry in ClinVar:

NM_001184880.2(PCDH19):c.2487G>C (p.Glu829Asp)

Genes: PCDH19 (protocadherin 19; minus strand), LOC125467768 (CDK7 strongly-dependent group 2 enhancer GRCh37_chrX:99657381-99658580; plus strand). Cytogenetic location: Xq22.1.
Variant type: single nucleotide variant.
Coding change: c.2487G>C on transcript NM_001184880.2 (MANE Select); coding-DNA position 2487, G replaced by C.
Protein change: p.Glu829Asp; replaces glutamic acid 829 with aspartic acid.
Molecular consequence: missense variant.
Genome position (GRCh38, 1-based): chrX:100,402,653, C>G on the plus strand (G>C on the coding strand, the complement: PCDH19 is on the minus strand). VCF-style: chrX-100402653-C-G. GRCh37 (hg19) VCF-style: chrX-99657651-C-G.
Other names: c.2346G>C, p.Glu782Asp (NM_001105243.2, NM_020766.3); short protein forms E782D, E829D.
Identifiers: ClinVar variation 955089 (VCV000955089.10), dbSNP rs1928222467, ClinGen allele CA414005690.

ClinVar aggregate classification (germline): Uncertain significance (1 of 4 stars; one submission).

Conditions:
Developmental and epileptic encephalopathy, 9 (DEE9). Also called: Early infantile epileptic encephalopathy 9; EPILEPSY, FEMALE-RESTRICTED, WITH MENTAL RETARDATION; JUBERG-HELLMAN SYNDROME; PCDH19-Related X-Linked Female-Limited Epilepsy with Mental Retardation. Identifiers: Orphanet 101039, Orphanet 2076, MedGen C1848137, MONDO:0010246, OMIM 300088. Disease mechanism: loss of function.

Submission:

Labcorp Genetics (formerly Invitae), Labcorp
Classification: Uncertain significance for Developmental and epileptic encephalopathy, 9. Last evaluated: 2019-11-06. Review status: criteria provided, single submitter. Criteria: Invitae Variant Classification Sherloc (09022015). Collection method: clinical testing. Allele origin: germline.
Comment: In summary, the available evidence is currently insufficient to determine the role of this variant in disease. Therefore, it has been classified as a Variant of Uncertain Significance. This sequence change replaces glutamic acid with aspartic acid at codon 829 of the PCDH19 protein (p.Glu829Asp). The glutamic acid residue is moderately conserved and there is a small physicochemical difference between glutamic acid and aspartic acid. This variant is not present in population databases (ExAC no frequency). This variant has not been reported in the literature in individuals with PCDH19-related conditions. Algorithms developed to predict the effect of missense changes on protein structure and function (SIFT, PolyPhen-2, Align-GVGD) all suggest that this variant is likely to be tolerated, but these predictions have not been confirmed by published functional studies and their clinical significance is uncertain.